The following is an entry in ClinVar:

ClinVar aggregate classification (germline): Uncertain significance (1 of 4 stars; one submission).

Conditions:
Mitochondrial complex I deficiency, nuclear type 1. Also called: NADH-COENZYME Q REDUCTASE DEFICIENCY; MITOCHONDRIAL NADH DEHYDROGENASE COMPONENT OF COMPLEX I, DEFICIENCY OF. Identifiers: MedGen C6022305, MONDO:0100224, OMIM 252010.

Allele frequency attached by ClinVar (database versions not stated): gnomAD exomes below 0.00001 and 0.00002; TOPMed below 0.00001; gnomAD 0.00001.
gnomAD v4.1: 8 of 1,614,092 alleles (0.0005%); highest among the groups gnomAD compares: Admixed American, 0.005%; no homozygotes.

Submission:

Baylor Genetics
Classification: Uncertain significance for Mitochondrial complex I deficiency, nuclear type 1. Last evaluated: 2018-03-01. Review status: criteria provided, single submitter. Criteria: ACMG Guidelines, 2015. Collection method: clinical testing. Allele origin: paternal. Affected: yes.
Comment: This variant was determined to be of uncertain significance according to ACMG Guidelines, 2015 [PMID:25741868].

NM_007103.4(NDUFV1):c.871G>A (p.Glu291Lys)

Gene: NDUFV1 (NADH:ubiquinone oxidoreductase core subunit V1; plus strand). Cytogenetic location: 11q13.2.
Variant type: single nucleotide variant.
Coding change: c.871G>A on transcript NM_007103.4 (MANE Select); coding-DNA position 871, G replaced by A.
Protein change: p.Glu291Lys; replaces glutamic acid 291 with lysine.
Molecular consequence: missense variant.
Genome position (GRCh38, 1-based): chr11:67,611,165, G>A. VCF-style: chr11-67611165-G-A. GRCh37 (hg19) VCF-style: chr11-67378636-G-A.
Other names: c.844G>A, p.Glu282Lys (NM_001166102.2); short protein forms E291K, E282K.
Identifiers: ClinVar variation 1031701 (VCV001031701.1), dbSNP rs1017020344, ClinGen allele CA224180842.